The following is an entry in ClinVar:

NM_005422.4(TECTA):c.589G>A (p.Asp197Asn)

Genes: TBCEL-TECTA (TBCEL-TECTA readthrough; plus strand), TECTA (tectorin alpha; plus strand). Cytogenetic location: 11q23.3.
Variant type: single nucleotide variant.
Coding change: c.589G>A on transcript NM_005422.4 (MANE Select); coding-DNA position 589, G replaced by A.
Protein change: p.Asp197Asn; replaces aspartic acid 197 with asparagine.
Molecular consequence: missense variant.
Genome position (GRCh38, 1-based): chr11:121,113,174, G>A. VCF-style: chr11-121113174-G-A. GRCh37 (hg19) VCF-style: chr11-120983883-G-A.
Other names: c.1546G>A, p.Asp516Asn (NM_001378761.1); short protein forms D516N, D197N.
Identifiers: ClinVar variation 1428840 (VCV001428840.13), dbSNP rs2135059469, ClinGen allele CA383022099.
Genomic context (GRCh38, chr11:121,113,174, plus strand): 5'-ACATTCACCCTCTTCAATTATTACGAAATCAACTGGACCACGGGGACGGCGAGTGGCGGC[G>A]ACCCCCTGACAGGTCTTGGTGGAGTGATGGCACAGGTAGGTGGCTCTCCACTTCATCCCC-3'
Protein context (NP_005413.2, residues 187-207): NWTTGTASGG[Asp197Asn]PLTGLGGVMA

ClinVar aggregate classification (germline): Uncertain significance. Review status: criteria provided, multiple submitters, no conflicts (2 of 4 stars). 2 submissions from 2 submitters: Uncertain significance (2). Last evaluated 2025-09-01.

Allele frequency attached by ClinVar (database versions not stated): gnomAD exomes below 0.00001.
gnomAD v4.1: 1 of 1,613,864 alleles (0.000062%); highest among the groups gnomAD compares: Non-Finnish European, 0.000085%; no homozygotes.

Submissions (2):

CeGaT Center for Human Genetics Tuebingen
Classification: Uncertain significance. Last evaluated: 2025-09-01. Review status: criteria provided, single submitter. Criteria: CeGaT Center For Human Genetics Tuebingen Variant Classification Criteria Version 2. Collection method: clinical testing. Allele origin: germline. Affected: yes. Observed: 2 variant alleles.
Comment: TECTA: PM2, PS4:Moderate

Labcorp Genetics (formerly Invitae), Labcorp
Classification: Uncertain significance. Last evaluated: 2024-06-13. Review status: criteria provided, single submitter. Criteria: Invitae Variant Classification Sherloc (09022015). Collection method: clinical testing. Allele origin: germline.
Comment: This sequence change replaces aspartic acid, which is acidic and polar, with asparagine, which is neutral and polar, at codon 197 of the TECTA protein (p.Asp197Asn). This variant is not present in population databases (gnomAD no frequency). This missense change has been observed in individual(s) with clinical features of autosomal dominant TECTA-related conditions (PMID: 21520338, 30622556, 31554319). It has also been observed to segregate with disease in related individuals. ClinVar contains an entry for this variant (Variation ID: 1428840). Advanced modeling of protein sequence and biophysical properties (such as structural, functional, and spatial information, amino acid conservation, physicochemical variation, residue mobility, and thermodynamic stability) performed at Invitae indicates that this missense variant is not expected to disrupt TECTA protein function with a negative predictive value of 95%. In summary, the available evidence is currently insufficient to determine the role of this variant in disease. Therefore, it has been classified as a Variant of Uncertain Significance.

Literature cited by the submitters: PubMed 21520338 (cited by Labcorp Genetics (formerly Invitae), Labcorp); PubMed 30622556 (cited by Labcorp Genetics (formerly Invitae), Labcorp); PubMed 31554319 (cited by Labcorp Genetics (formerly Invitae), Labcorp).